The following is an entry in ClinVar:

NM_001098.3(ACO2):c.1917G>C (p.Glu639Asp)

Genes: ACO2 (aconitase 2; plus strand), POLR3H (RNA polymerase III subunit H; minus strand). Cytogenetic location: 22q13.2.
Variant type: single nucleotide variant.
Coding change: c.1917G>C on transcript NM_001098.3 (MANE Select); coding-DNA position 1917, G replaced by C.
Protein change: p.Glu639Asp; replaces glutamic acid 639 with aspartic acid.
Molecular consequence: missense variant. On other transcripts: 3 prime UTR variant (5).
Genome position (GRCh38, 1-based): chr22:41,526,417, G>C. VCF-style: chr22-41526417-G-C. GRCh37 (hg19) VCF-style: chr22-41922421-G-C.
Other names: c.*2866C>G (NM_001018050.4, NM_001018052.4, NM_001282884.2 and 2 more transcripts); short protein forms E639D.
Identifiers: ClinVar variation 2998775 (VCV002998775.3), dbSNP rs2066597442, ClinGen allele CA411728672.

ClinVar aggregate classification (germline): Uncertain significance (1 of 4 stars; one submission).

Allele frequency attached by ClinVar (database versions not stated): TOPMed 0.00001.
gnomAD v4.1: 4 of 1,613,692 alleles (0.00025%); highest among the groups gnomAD compares: Non-Finnish European, 0.00034%; no homozygotes.

Submission:

Labcorp Genetics (formerly Invitae), Labcorp
Classification: Uncertain significance. Last evaluated: 2026-01-07. Review status: criteria provided, single submitter. Criteria: Invitae Variant Classification Sherloc (09022015). Collection method: clinical testing. Allele origin: germline.
Comment: This sequence change replaces glutamic acid, which is acidic and polar, with aspartic acid, which is acidic and polar, at codon 639 of the ACO2 protein (p.Glu639Asp). This variant is not present in population databases (gnomAD no frequency). This variant has not been reported in the literature in individuals affected with ACO2-related conditions. ClinVar contains an entry for this variant (Variation ID: 2998775). Invitae Evidence Modeling of protein sequence and biophysical properties (such as structural, functional, and spatial information, amino acid conservation, physicochemical variation, residue mobility, and thermodynamic stability) indicates that this missense variant is not expected to disrupt ACO2 protein function with a negative predictive value of 80%. In summary, the available evidence is currently insufficient to determine the role of this variant in disease. Therefore, it has been classified as a Variant of Uncertain Significance.